The following is an entry in ClinVar:

ClinVar aggregate classification (germline): Uncertain significance. Review status: criteria provided, multiple submitters, no conflicts (2 of 4 stars). 3 submissions from 3 submitters: Uncertain significance (3). Last evaluated 2023-04-11.

Conditions:
Inborn genetic diseases. Identifiers: MedGen C0950123, MeSH D030342.
Developmental and epileptic encephalopathy, 18 (DEE18). Also called: Early infantile epileptic encephalopathy 18. Identifiers: Orphanet 369894, MedGen C3809624, MONDO:0014201, OMIM 615476.

Allele frequency attached by ClinVar (database versions not stated): gnomAD below 0.00001 and 0.00001; gnomAD exomes 0.00001; ExAC 0.00002; 1000 Genomes Project 30x 0.00016; 1000 Genomes Project 0.00020.
gnomAD v4.1: 9 of 1,612,012 alleles (0.00056%); highest among the groups gnomAD compares: South Asian, 0.0066%; no homozygotes.

Submissions (3):

Genome-Nilou Lab
Classification: Uncertain significance for Developmental and epileptic encephalopathy, 18. Last evaluated: 2023-04-11. Review status: criteria provided, single submitter. Criteria: ACMG Guidelines, 2015. Collection method: clinical testing. Allele origin: germline. Affected: no.

Labcorp Genetics (formerly Invitae), Labcorp
Classification: Uncertain significance. Last evaluated: 2022-11-15. Review status: criteria provided, single submitter. Criteria: Invitae Variant Classification Sherloc (09022015). Collection method: clinical testing. Allele origin: germline.
Comment: This variant is present in population databases (rs531733494, gnomAD 0.007%). In summary, the available evidence is currently insufficient to determine the role of this variant in disease. Therefore, it has been classified as a Variant of Uncertain Significance. Advanced modeling of protein sequence and biophysical properties (such as structural, functional, and spatial information, amino acid conservation, physicochemical variation, residue mobility, and thermodynamic stability) performed at Invitae indicates that this missense variant is not expected to disrupt SZT2 protein function. ClinVar contains an entry for this variant (Variation ID: 589922). This variant has not been reported in the literature in individuals affected with SZT2-related conditions. This sequence change replaces proline, which is neutral and non-polar, with leucine, which is neutral and non-polar, at codon 3165 of the SZT2 protein (p.Pro3165Leu).

Ambry Genetics
Classification: Uncertain significance for Inborn genetic diseases. Last evaluated: 2016-09-14. Review status: criteria provided, single submitter. Criteria: Ambry Variant Classification Scheme 2023. Collection method: clinical testing. Allele origin: germline.
Comment: The p.P3165L variant (also known as c.9494C>T), located in coding exon 68 of the SZT2 gene, results from a C to T substitution at nucleotide position 9494. The proline at codon 3165 is replaced by leucine, an amino acid with similar properties. This amino acid position is not well conserved in available vertebrate species. In addition, this alteration is predicted to be tolerated by in silico analysis. Since supporting evidence is limited at this time, the clinical significance of this alteration remains unclear.

NM_001365999.1(SZT2):c.9665C>T (p.Pro3222Leu)

Genes: SZT2 (SZT2 subunit of KICSTOR complex; plus strand), SZT2-AS1 (SZT2 antisense RNA 1; minus strand). Cytogenetic location: 1p34.2.
Variant type: single nucleotide variant.
Coding change: c.9665C>T on transcript NM_001365999.1 (MANE Select); coding-DNA position 9665, C replaced by T.
Protein change: p.Pro3222Leu; replaces proline 3222 with leucine.
Molecular consequence: missense variant. On other transcripts: non-coding transcript variant (1).
Genome position (GRCh38, 1-based): chr1:43,448,180, C>T. VCF-style: chr1-43448180-C-T. GRCh37 (hg19) VCF-style: chr1-43913851-C-T.
Other names: c.9494C>T, p.Pro3165Leu (NM_015284.4); short protein forms P3165L, P3222L.
Identifiers: ClinVar variation 589922 (VCV000589922.16), dbSNP rs531733494, ClinGen allele CA810991.